The following is an entry in ClinVar:

NM_001035.3(RYR2):c.14850A>G (p.Glu4950=)

Gene: RYR2 (ryanodine receptor 2; plus strand). Cytogenetic location: 1q43.
Variant type: single nucleotide variant.
Coding change: c.14850A>G on transcript NM_001035.3 (MANE Select); coding-DNA position 14850, A replaced by G.
Protein change: p.Glu4950=; no amino-acid change (glutamic acid 4950 retained).
Molecular consequence: synonymous variant.
Genome position (GRCh38, 1-based): chr1:237,832,593, A>G. VCF-style: chr1-237832593-A-G. GRCh37 (hg19) VCF-style: chr1-237995893-A-G.
Identifiers: ClinVar variation 700366 (VCV000700366.17), dbSNP rs947052066, ClinGen allele CA39835185.

ClinVar aggregate classification (germline): Likely benign. Review status: criteria provided, multiple submitters, no conflicts (2 of 4 stars). 4 submissions from 4 submitters: Likely benign (4). Last evaluated 2025-06-24.

Conditions:
Cardiomyopathy (CMYO). Also called: Cardiomyopathies. Identifiers: Orphanet 167848, MedGen C0878544, MONDO:0004994, HP:0001638. Inheritance: Various modes of inheritance.
Cardiovascular phenotype. Identifiers: MedGen CN230736.
Catecholaminergic polymorphic ventricular tachycardia (CVPT). Also called: Catecholamine-induced polymorphic ventricular tachycardia. Identifiers: Orphanet 3286, MedGen C5574922, MONDO:0017990.
Catecholaminergic polymorphic ventricular tachycardia 1. Also called: VENTRICULAR TACHYCARDIA, CATECHOLAMINERGIC POLYMORPHIC, 1, WITH OR WITHOUT ATRIAL DYSFUNCTION AND/OR DILATED CARDIOMYOPATHY; VENTRICULAR TACHYCARDIA, STRESS-INDUCED POLYMORPHIC 1; RYR2-Related Catecholaminergic Polymorphic Ventricular Tachycardia. Identifiers: Orphanet 3286, MedGen C1631597, MONDO:0011484, OMIM 604772.

Allele frequency attached by ClinVar (database versions not stated): gnomAD exomes 0.00001 and 0.00002.
gnomAD v4.1: 31 of 1,613,010 alleles (0.0019%); highest among the groups gnomAD compares: Non-Finnish European, 0.0025%; no homozygotes.

Submissions (4):

Labcorp Genetics (formerly Invitae), Labcorp
Classification: Likely benign for Catecholaminergic polymorphic ventricular tachycardia 1. Last evaluated: 2025-06-24. Review status: criteria provided, single submitter. Criteria: Invitae Variant Classification Sherloc (09022015). Collection method: clinical testing. Allele origin: germline.

All of Us Research Program, National Institutes of Health
Classification: Likely benign for Catecholaminergic polymorphic ventricular tachycardia. Last evaluated: 2023-12-01. Review status: criteria provided, single submitter. Criteria: ACMG Guidelines, 2015. Collection method: clinical testing. Allele origin: germline. Inheritance: Autosomal dominant inheritance. Observed: 3 variant alleles, 3 heterozygotes.
Comment: This study involves interpretation of variants in research participants for the purpose of population health screening. Participant phenotype was not available at the time of variant classification. Additional details can be found in publication PMID: 35346344, PMCID: PMC8962531

Ambry Genetics
Classification: Likely benign for Cardiovascular phenotype. Last evaluated: 2022-04-06. Review status: criteria provided, single submitter. Criteria: Ambry Variant Classification Scheme 2023. Collection method: clinical testing. Allele origin: germline.

Color Diagnostics, LLC DBA Color Health
Classification: Likely benign for Cardiomyopathy. Last evaluated: 2019-07-26. Review status: criteria provided, single submitter. Criteria: ACMG Guidelines, 2015. Collection method: clinical testing. Allele origin: germline.